The following is an entry in ClinVar:

NM_013275.6(ANKRD11):c.5481C>T (p.Pro1827=)

Gene: ANKRD11 (ankyrin repeat domain 11; minus strand). Cytogenetic location: 16q24.3.
Variant type: single nucleotide variant.
Coding change: c.5481C>T on transcript NM_013275.6 (MANE Select); coding-DNA position 5481, C replaced by T.
Protein change: p.Pro1827=; no amino-acid change (proline 1827 retained).
Molecular consequence: synonymous variant.
Genome position (GRCh38, 1-based): chr16:89,281,061, G>A on the plus strand (C>T on the coding strand, the complement: ANKRD11 is on the minus strand). VCF-style: chr16-89281061-G-A. GRCh37 (hg19) VCF-style: chr16-89347469-G-A.
Other names: c.5481C>T, p.Pro1827= (NM_001256182.2, NM_001256183.2).
Identifiers: ClinVar variation 2647068 (VCV002647068.25), dbSNP rs142469039, ClinGen allele CA8241827.

ClinVar aggregate classification (germline): Likely benign. Review status: criteria provided, multiple submitters, no conflicts (2 of 4 stars). 2 submissions from 2 submitters: Likely benign (2). Last evaluated 2025-08-05.

Conditions:
KBG syndrome (KBGS). Also called: ANKRD11-Related KBG Syndrome. Identifiers: Orphanet 2332, MedGen C0220687, MONDO:0007846, OMIM 148050.

gnomAD v4.1: 12 of 1,606,660 alleles (0.00075%); highest among the groups gnomAD compares: Non-Finnish European, 0.00094%; no homozygotes.

Submissions (2):

Labcorp Genetics (formerly Invitae), Labcorp
Classification: Likely benign for KBG syndrome. Last evaluated: 2025-08-05. Review status: criteria provided, single submitter. Criteria: Invitae Variant Classification Sherloc (09022015). Collection method: clinical testing. Allele origin: germline.

CeGaT Center for Human Genetics Tuebingen
Classification: Likely benign. Last evaluated: 2023-03-01. Review status: criteria provided, single submitter. Criteria: CeGaT Center For Human Genetics Tuebingen Variant Classification Criteria Version 2. Collection method: clinical testing. Allele origin: germline. Affected: yes. Observed: 1 variant allele.
Comment: ANKRD11: BP4, BP7